The following is an entry in ClinVar:

ClinVar aggregate classification (germline): Conflicting classifications of pathogenicity. Review status: criteria provided, conflicting classifications (1 of 4 stars). 5 submissions from 5 submitters: Uncertain significance (2); Likely benign (3). Last evaluated 2024-09-03.

Conditions:
Cardiovascular phenotype. Identifiers: MedGen CN230736.
Cardiomyopathy (CMYO). Also called: Cardiomyopathies. Identifiers: Orphanet 167848, MedGen C0878544, MONDO:0004994, HP:0001638. Inheritance: Various modes of inheritance.

Allele frequency attached by ClinVar (database versions not stated): ExAC 0.00002; gnomAD 0.00003; gnomAD exomes 0.00003; TOPMed 0.00004.
gnomAD v4.1: 48 of 1,613,616 alleles (0.003%); highest among the groups gnomAD compares: Middle Eastern, 0.016%; no homozygotes.

Submissions (5):

Blueprint Genetics
Classification: Likely benign. Last evaluated: 2024-09-03. Review status: criteria provided, single submitter. Criteria: ACMG Guidelines, 2015. Collection method: clinical testing. Allele origin: germline.

CHEO Genetics Diagnostic Laboratory, Children's Hospital of Eastern Ontario
Classification: Likely benign for Cardiomyopathy. Last evaluated: 2023-06-26. Review status: criteria provided, single submitter. Criteria: ACMG Guidelines, 2015. Collection method: clinical testing. Allele origin: germline.

Ambry Genetics
Classification: Uncertain significance for Cardiovascular phenotype. Last evaluated: 2020-09-21. Review status: criteria provided, single submitter. Criteria: Ambry Variant Classification Scheme 2023. Collection method: clinical testing. Allele origin: germline.
Comment: The p.M3672V variant (also known as c.11014A>G), located in coding exon 44 of the TTN gene, results from an A to G substitution at nucleotide position 11014. The methionine at codon 3672 is replaced by valine, an amino acid with highly similar properties. This amino acid position is poorly conserved in available vertebrate species. In addition, this alteration is predicted to be tolerated by in silico analysis. Since supporting evidence is limited at this time, the clinical significance of this alteration remains unclear.

Laboratorio de Genetica e Diagnostico Molecular, Hospital Israelita Albert Einstein
Classification: Likely benign. Last evaluated: 2020-03-28. Review status: criteria provided, single submitter. Criteria: ACMG Guidelines, 2015. Collection method: clinical testing. Allele origin: germline. Affected: yes.
Comment: ACMG classification criteria: PM2, BP1, BP4

Laboratory for Molecular Medicine, Mass General Brigham Personalized Medicine
Classification: Uncertain significance. Last evaluated: 2013-06-14. Review status: criteria provided, single submitter. Criteria: LMM Criteria. Collection method: clinical testing. Allele origin: germline. Observed: 1 variant allele.
Comment: The Met3797Val variant in TTN has not been reported in individuals with cardiomy opathy or in large population studies. Computational analyses are limited or una vailable. Additional information is needed to fully assess the clinical signific ance of the Met3797Val variant.

NM_001267550.2(TTN):c.12103A>G (p.Met4035Val)

Gene: TTN (titin; minus strand). Cytogenetic location: 2q31.2.
Variant type: single nucleotide variant.
Coding change: c.12103A>G on transcript NM_001267550.2 (MANE Select); coding-DNA position 12103, A replaced by G.
Protein change: p.Met4035Val; replaces methionine 4035 with valine.
Molecular consequence: missense variant. On other transcripts: intron variant (1).
Genome position (GRCh38, 1-based): chr2:178,741,130, T>C on the plus strand (A>G on the coding strand, the complement: TTN is on the minus strand). VCF-style: chr2-178741130-T-C. GRCh37 (hg19) VCF-style: chr2-179605857-T-C.
Other names: c.11389A>G, p.Met3797Val (NM_133432.3); c.11152A>G, p.Met3718Val (NM_001256850.1); c.11014A>G, p.Met3672Val (NM_003319.4); c.11590A>G, p.Met3864Val (NM_133437.4); c.10361-2770A>G (NM_133378.4); short protein forms M3797V, M4035V, M3718V, M3672V, M3864V.
Identifiers: ClinVar variation 166239 (VCV000166239.11), dbSNP rs727503659, ClinGen allele CA179036.